The following is an entry in ClinVar:

ClinVar aggregate classification (germline): Uncertain significance (1 of 4 stars; one submission).

gnomAD v4.1: 2 of 1,609,894 alleles (0.00012%); highest among the groups gnomAD compares: Non-Finnish European, 0.00017%; no homozygotes.

Submission:

GeneDx
Classification: Uncertain significance. Last evaluated: 2026-04-23. Review status: criteria provided, single submitter. Criteria: GeneDx Variant Classification Process June 2021. Collection method: clinical testing. Allele origin: germline.
Comment: Not observed at significant frequency in large population cohorts (gnomAD); Missense variant in a gene in which most reported pathogenic variants are truncating/loss of function; This variant is associated with the following publications: (PMID: 30847666)

NM_001267550.2(TTN):c.60857A>G (p.Asn20286Ser)

Genes: TTN (titin; minus strand), TTN-AS1 (TTN antisense RNA 1; plus strand). Cytogenetic location: 2q31.2.
Variant type: single nucleotide variant.
Coding change: c.60857A>G on transcript NM_001267550.2 (MANE Select); coding-DNA position 60857, A replaced by G.
Protein change: p.Asn20286Ser; replaces asparagine 20286 with serine.
Molecular consequence: missense variant.
Genome position (GRCh38, 1-based): chr2:178,590,868, T>C on the plus strand (A>G on the coding strand, the complement: TTN is on the minus strand). VCF-style: chr2-178590868-T-C. GRCh37 (hg19) VCF-style: chr2-179455595-T-C.
Other names: c.55934A>G, p.Asn18645Ser (NM_001256850.1); c.33662A>G, p.Asn11221Ser (NM_003319.4); c.53153A>G, p.Asn17718Ser (NM_133378.4); c.34037A>G, p.Asn11346Ser (NM_133432.3); c.34238A>G, p.Asn11413Ser (NM_133437.4); short protein forms N11221S, N11346S, N11413S, N17718S, N18645S, N20286S.
Identifiers: ClinVar variation 5037714 (VCV005037714.1).